The following is an entry in ClinVar:

ClinVar aggregate classification (germline): Uncertain significance. Review status: criteria provided, multiple submitters, no conflicts (2 of 4 stars). 2 submissions from 2 submitters: Uncertain significance (2). Last evaluated 2025-05-19.

Conditions:
Inborn genetic diseases. Identifiers: MedGen C0950123, MeSH D030342.
Regional enteritis. Also called: Enteritis, Granulomatous. Identifiers: MedGen C0678202, MeSH D003424.
Blau syndrome (BLAUS). Also called: GRANULOMATOSIS, FAMILIAL JUVENILE SYSTEMIC; GRANULOMATOSIS, FAMILIAL, BLAU TYPE; GRANULOMATOUS INFLAMMATORY ARTHRITIS, DERMATITIS, AND UVEITIS, FAMILIAL; JABS SYNDROME; ARTHROCUTANEOUVEAL GRANULOMATOSIS. Identifiers: Orphanet 90340, MedGen C5201146, MONDO:0008523, OMIM 186580.

Allele frequency attached by ClinVar (database versions not stated): TOPMed 0.00001.
gnomAD v4.1: 3 of 1,611,958 alleles (0.00019%); highest among the groups gnomAD compares: Admixed American, 0.0017%; no homozygotes.

Submissions (2):

Ambry Genetics
Classification: Uncertain significance for Inborn genetic diseases. Last evaluated: 2025-05-19. Review status: criteria provided, single submitter. Criteria: Ambry Variant Classification Scheme 2023. Collection method: clinical testing. Allele origin: germline.

Labcorp Genetics (formerly Invitae), Labcorp
Classification: Uncertain significance for Regional enteritis; Blau syndrome. Last evaluated: 2024-10-29. Review status: criteria provided, single submitter. Criteria: Invitae Variant Classification Sherloc (09022015). Collection method: clinical testing. Allele origin: germline.
Comment: This sequence change replaces isoleucine, which is neutral and non-polar, with leucine, which is neutral and non-polar, at codon 649 of the NOD2 protein (p.Ile649Leu). This variant is not present in population databases (gnomAD no frequency). This variant has not been reported in the literature in individuals affected with NOD2-related conditions. ClinVar contains an entry for this variant (Variation ID: 1000144). Invitae Evidence Modeling of protein sequence and biophysical properties (such as structural, functional, and spatial information, amino acid conservation, physicochemical variation, residue mobility, and thermodynamic stability) indicates that this missense variant is not expected to disrupt NOD2 protein function with a negative predictive value of 95%. In summary, the available evidence is currently insufficient to determine the role of this variant in disease. Therefore, it has been classified as a Variant of Uncertain Significance.

NM_001370466.1(NOD2):c.1864A>C (p.Ile622Leu)

Gene: NOD2 (nucleotide binding oligomerization domain containing 2; plus strand). Cytogenetic location: 16q12.1.
Variant type: single nucleotide variant.
Coding change: c.1864A>C on transcript NM_001370466.1 (MANE Select); coding-DNA position 1864, A replaced by C.
Protein change: p.Ile622Leu; replaces isoleucine 622 with leucine.
Molecular consequence: missense variant. On other transcripts: non-coding transcript variant (1).
Genome position (GRCh38, 1-based): chr16:50,711,856, A>C. VCF-style: chr16-50711856-A-C. GRCh37 (hg19) VCF-style: chr16-50745767-A-C.
Other names: c.1945A>C (NM_022162.1); c.1864A>C, p.Ile622Leu (NM_001293557.2); c.1945A>C, p.Ile649Leu (NM_022162.3); short protein forms I622L, I649L.
Identifiers: ClinVar variation 1000144 (VCV001000144.9), dbSNP rs1484221771, ClinGen allele CA395870265.